The following is an entry in ClinVar:

NM_016169.4(SUFU):c.116G>A (p.Gly39Glu)

Gene: SUFU (SUFU negative regulator of hedgehog signaling; plus strand). Cytogenetic location: 10q24.32.
Variant type: single nucleotide variant.
Coding change: c.116G>A on transcript NM_016169.4 (MANE Select); coding-DNA position 116, G replaced by A.
Protein change: p.Gly39Glu; replaces glycine 39 with glutamic acid.
Molecular consequence: missense variant.
Genome position (GRCh38, 1-based): chr10:102,504,268, G>A. VCF-style: chr10-102504268-G-A. GRCh37 (hg19) VCF-style: chr10-104264025-G-A.
Other names: c.116G>A, p.Gly39Glu (NM_001178133.2); short protein forms G39E.
Identifiers: ClinVar variation 4782649 (VCV004782649.1).
Genomic context (GRCh38, chr10:102,504,268, plus strand): 5'-GCCCGACTGCCCCCCCGGCCTTCGCTTCGCTCTTTCCCCCGGGACTGCACGCCATCTACG[G>A]AGAGTGCCGCCGCCTTTACCCTGACCAGCCGAACCCGCTCCAGGTTACCGCTATCGTCAA-3'
Protein context (NP_057253.2, residues 29-49): LFPPGLHAIY[Gly39Glu]ECRRLYPDQP

ClinVar aggregate classification (germline): Uncertain significance (1 of 4 stars; one submission).

Conditions:
Gorlin syndrome. Also called: Nevoid Basal Cell Carcinoma Syndrome; Basal cell nevus syndrome. Identifiers: Orphanet 377, MedGen C0004779, MONDO:0007187.
Medulloblastoma (MDB). Also called: MEDULLOBLASTOMA PREDISPOSITION SYNDROME; Medulloblastoma, somatic. Identifiers: Orphanet 616, MedGen C0025149, MeSH D008527, MONDO:0007959, OMIM 155255, HP:0002885.

gnomAD v4.1: 1 of 1,614,012 alleles (0.000062%); highest among the groups gnomAD compares: Non-Finnish European, 0.000085%; no homozygotes.

Submission:

Labcorp Genetics (formerly Invitae), Labcorp
Classification: Uncertain significance for Gorlin syndrome; Medulloblastoma. Last evaluated: 2025-07-21. Review status: criteria provided, single submitter. Criteria: Invitae Variant Classification Sherloc (09022015). Collection method: clinical testing. Allele origin: germline.
Comment: This sequence change replaces glycine, which is neutral and non-polar, with glutamic acid, which is acidic and polar, at codon 39 of the SUFU protein (p.Gly39Glu). This variant is present in population databases (no rsID available, gnomAD 0.0009%). This variant has not been reported in the literature in individuals affected with SUFU-related conditions. Invitae Evidence Modeling of protein sequence and biophysical properties (such as structural, functional, and spatial information, amino acid conservation, physicochemical variation, residue mobility, and thermodynamic stability) indicates that this missense variant is not expected to disrupt SUFU protein function with a negative predictive value of 80%. In summary, the available evidence is currently insufficient to determine the role of this variant in disease. Therefore, it has been classified as a Variant of Uncertain Significance.